The following is an entry in ClinVar:

ClinVar aggregate classification (germline): Benign/Likely benign. Review status: criteria provided, multiple submitters, no conflicts (2 of 4 stars). 16 submissions from 16 submitters: Benign (11); Likely benign (2). 3 of the submissions do not count toward it. Last evaluated 2026-08-01.

Conditions:
Cardiovascular phenotype. Identifiers: MedGen CN230736.
Catecholaminergic polymorphic ventricular tachycardia (CVPT). Also called: Catecholamine-induced polymorphic ventricular tachycardia. Identifiers: Orphanet 3286, MedGen C5574922, MONDO:0017990.
Catecholaminergic polymorphic ventricular tachycardia 1. Also called: VENTRICULAR TACHYCARDIA, STRESS-INDUCED POLYMORPHIC 1; VENTRICULAR TACHYCARDIA, CATECHOLAMINERGIC POLYMORPHIC, 1, WITH OR WITHOUT ATRIAL DYSFUNCTION AND/OR DILATED CARDIOMYOPATHY; RYR2-Related Catecholaminergic Polymorphic Ventricular Tachycardia. Identifiers: Orphanet 3286, MedGen C1631597, MONDO:0011484, OMIM 604772.
Cardiomyopathy (CMYO). Also called: Cardiomyopathies. Identifiers: Orphanet 167848, MedGen C0878544, MONDO:0004994, HP:0001638. Inheritance: Various modes of inheritance.

Allele frequency attached by ClinVar (database versions not stated): gnomAD exomes 0.00065; ExAC 0.00069; gnomAD 0.00252 and 0.00265; ESP Exome Variant Server 0.00272; 1000 Genomes Project 0.00280; TOPMed 0.00288; 1000 Genomes Project 30x 0.00328.
gnomAD v4.1: 826 of 1,613,774 alleles (0.051%); highest among the groups gnomAD compares: African/African-American, 0.88%; 1 homozygote.

Submissions (16):

CeGaT Center for Human Genetics Tuebingen
Classification: Likely benign. Last evaluated: 2026-08-01. Review status: criteria provided, single submitter. Criteria: CeGaT Center For Human Genetics Tuebingen Variant Classification Criteria Version 2. Collection method: clinical testing. Allele origin: germline. Affected: yes. Observed: 2 variant alleles.
Comment: RYR2: BP4, BP7, BS1

Labcorp Genetics (formerly Invitae), Labcorp
Classification: Benign for Catecholaminergic polymorphic ventricular tachycardia 1. Last evaluated: 2026-02-03. Review status: criteria provided, single submitter. Criteria: Invitae Variant Classification Sherloc (09022015). Collection method: clinical testing. Allele origin: germline.

Molecular Diagnostic Laboratory for Inherited Cardiovascular Disease, Montreal Heart Institute
Classification: Benign. Last evaluated: 2025-04-09. Review status: criteria provided, single submitter. Criteria: ACMG Guidelines, 2015. Collection method: clinical testing. Allele origin: germline. Affected: no.

Blueprint Genetics
Classification: Likely benign. Last evaluated: 2024-10-16. Review status: criteria provided, single submitter. Criteria: ACMG Guidelines, 2015. Collection method: clinical testing. Allele origin: germline.

All of Us Research Program, National Institutes of Health
Classification: Benign for Catecholaminergic polymorphic ventricular tachycardia. Last evaluated: 2024-02-05. Review status: criteria provided, single submitter. Criteria: ACMG Guidelines, 2015. Collection method: clinical testing. Allele origin: germline. Inheritance: Autosomal dominant inheritance. Observed: 171 variant alleles, 169 heterozygotes, 2 homozygotes.
Comment: This study involves interpretation of variants in research participants for the purpose of population health screening. Participant phenotype was not available at the time of variant classification. Additional details can be found in publication PMID: 35346344, PMCID: PMC8962531

ARUP Laboratories, Molecular Genetics and Genomics, ARUP Laboratories
Classification: Benign. Last evaluated: 2023-12-07. Review status: criteria provided, single submitter. Criteria: ARUP Molecular Germline Variant Investigation Process 2024. Collection method: clinical testing. Allele origin: germline.

Color Diagnostics, LLC DBA Color Health
Classification: Benign for Cardiomyopathy. Last evaluated: 2018-11-08. Review status: criteria provided, single submitter. Criteria: ACMG Guidelines, 2015. Collection method: clinical testing. Allele origin: germline.

CHEO Genetics Diagnostic Laboratory, Children's Hospital of Eastern Ontario
Classification: Benign for Cardiomyopathy. Last evaluated: 2016-10-11. Review status: criteria provided, single submitter. Criteria: ACMG Guidelines, 2015. Collection method: clinical testing. Allele origin: germline. Study: Canadian Open Genetics Repository.

Ambry Genetics
Classification: Benign for Cardiovascular phenotype. Last evaluated: 2016-08-29. Review status: criteria provided, single submitter. Criteria: Ambry Variant Classification Scheme 2023. Collection method: clinical testing. Allele origin: germline.

Eurofins Ntd Llc (ga)
Classification: Benign. Last evaluated: 2015-03-06. Review status: criteria provided, single submitter. Criteria: EGL Classification Definitions 2015. Collection method: clinical testing. Allele origin: germline. Observed: 1 variant allele, 1 heterozygote.

Laboratory for Molecular Medicine, Mass General Brigham Personalized Medicine
Classification: Benign. Last evaluated: 2014-02-17. Review status: criteria provided, single submitter. Criteria: LMM Criteria. Collection method: clinical testing. Allele origin: germline. Observed: 3 variant alleles.
Comment: Asp1871Asp in exon 37 of RYR2: This variant is not expected to have clinical sig nificance because it has been identified in 0.8% (31/4108) of African American c hromosomes by the NHLBI Exome Sequencing Project (VS/; dbSNP rs116774472).

GeneDx
Classification: Benign. Last evaluated: 2013-07-12. Review status: criteria provided, single submitter. Criteria: GeneDx Variant Classification (06012015). Collection method: clinical testing. Allele origin: germline. Affected: yes.
Comment: This variant is considered likely benign or benign based on one or more of the following criteria: it is a conservative change, it occurs at a poorly conserved position in the protein, it is predicted to be benign by multiple in silico algorithms, and/or has population frequency not consistent with disease.

Breakthrough Genomics
Classification: Benign. Review status: criteria provided, single submitter. Criteria: ACMG Guidelines, 2015. Collection method: not provided. Allele origin: germline. Inheritance: Autosomal dominant inheritance. Affected: yes.

Clinical Genetics DNA and cytogenetics Diagnostics Lab, Erasmus MC, Erasmus Medical Center
Classification: Likely benign. Review status: no assertion criteria provided. Collection method: clinical testing. Allele origin: germline. Affected: yes. Study: VKGL Data-share Consensus. Not counted in ClinVar's aggregate classification.

Clinical Genetics, Academic Medical Center
Classification: Benign. Review status: no assertion criteria provided. Collection method: clinical testing. Allele origin: germline. Affected: yes. Study: VKGL Data-share Consensus. Not counted in ClinVar's aggregate classification.

Diagnostic Laboratory, Department of Genetics, University Medical Center Groningen
Classification: Likely benign. Review status: no assertion criteria provided. Collection method: clinical testing. Allele origin: germline. Affected: yes. Study: VKGL Data-share Consensus. Not counted in ClinVar's aggregate classification.

NM_001035.3(RYR2):c.5613C>T (p.Asp1871=)

Gene: RYR2 (ryanodine receptor 2; plus strand). Cytogenetic location: 1q43.
Variant type: single nucleotide variant.
Coding change: c.5613C>T on transcript NM_001035.3 (MANE Select); coding-DNA position 5613, C replaced by T.
Protein change: p.Asp1871=; no amino-acid change (aspartic acid 1871 retained).
Molecular consequence: synonymous variant.
Genome position (GRCh38, 1-based): chr1:237,614,741, C>T. VCF-style: chr1-237614741-C-T. GRCh37 (hg19) VCF-style: chr1-237778041-C-T.
Other names: p.D1871D:GAC>GAT.
Identifiers: ClinVar variation 138946 (VCV000138946.52), dbSNP rs116774472, ClinGen allele CA009903.